The following is an entry in ClinVar:

NM_001384732.1(CPLANE1):c.8692G>T (p.Gly2898Ter)

Gene: CPLANE1 (ciliogenesis and planar polarity effector complex subunit 1; minus strand). Cytogenetic location: 5p13.2.
Variant type: single nucleotide variant.
Coding change: c.8692G>T on transcript NM_001384732.1 (MANE Select); coding-DNA position 8692, G replaced by T.
Protein change: p.Gly2898Ter; replaces glycine 2898 with a stop codon.
Molecular consequence: nonsense.
Genome position (GRCh38, 1-based): chr5:37,138,820, C>A on the plus strand (G>T on the coding strand, the complement: CPLANE1 is on the minus strand). VCF-style: chr5-37138820-C-A. GRCh37 (hg19) VCF-style: chr5-37138922-C-A.
Other names: c.8530G>T, p.Gly2844Ter (NM_023073.4); short protein forms G2898*, G2844*.
Identifiers: ClinVar variation 2867452 (VCV002867452.3), dbSNP rs937125016, ClinGen allele CA359505901.

ClinVar aggregate classification (germline): Pathogenic (1 of 4 stars; one submission).

Submission:

Labcorp Genetics (formerly Invitae), Labcorp
Classification: Pathogenic. Last evaluated: 2022-11-03. Review status: criteria provided, single submitter. Criteria: Invitae Variant Classification Sherloc (09022015). Collection method: clinical testing. Allele origin: germline.
Comment: This sequence change creates a premature translational stop signal (p.Gly2844*) in the CPLANE1 gene. It is expected to result in an absent or disrupted protein product. Loss-of-function variants in CPLANE1 are known to be pathogenic (PMID: 24178751, 26092869). This variant is not present in population databases (gnomAD no frequency). For these reasons, this variant has been classified as Pathogenic. Algorithms developed to predict the effect of sequence changes on RNA splicing suggest that this variant may create or strengthen a splice site. This variant has not been reported in the literature in individuals affected with CPLANE1-related conditions.

Literature cited by the submitters: PubMed 24178751; PubMed 26092869.